The following is an entry in ClinVar:

NM_002471.4(MYH6):c.898+6C>A

Gene: MYH6 (myosin heavy chain 6; minus strand). Cytogenetic location: 14q11.2.
Variant type: single nucleotide variant.
Coding change: c.898+6C>A on transcript NM_002471.4 (MANE Select); 6 bases into the intron after coding-DNA position 898, C replaced by A.
Molecular consequence: intron variant.
Genome position (GRCh38, 1-based): chr14:23,403,342, G>T on the plus strand (C>A on the coding strand, the complement: MYH6 is on the minus strand). VCF-style: chr14-23403342-G-T. GRCh37 (hg19) VCF-style: chr14-23872551-G-T.
Identifiers: ClinVar variation 507614 (VCV000507614.7), dbSNP rs370158816, ClinGen allele CA7115993.
Genomic context (GRCh38, chr14:23,403,342, plus strand): 5'-GCATGCAGGAGTCGTTGGGGTGTGCAGCAGGGACAGCAGTGGGTGGGGGGTGGCAGGCAG[G>T]TTCACCCAGCAACTCCGGCTTCTTGTTGGACAGAATCTGGTAGAAGATGTGGTAGTTTCT-3'

ClinVar aggregate classification (germline): Conflicting classifications of pathogenicity. Review status: criteria provided, conflicting classifications (1 of 4 stars). 3 submissions from 3 submitters: Uncertain significance (1); Likely benign (2). Last evaluated 2026-08-05.

Conditions:
Hypertrophic cardiomyopathy 14. Identifiers: MedGen C2750467, MONDO:0013197, OMIM 613251.
MYH6-related disorder. Also called: MYH6-related condition; MYH6-Related Disorders.

gnomAD v4.1: 78 of 1,612,272 alleles (0.0048%); highest among the groups gnomAD compares: Non-Finnish European, 0.0059%; no homozygotes.

Submissions (3):

PreventionGenetics, part of Exact Sciences
Classification: Likely benign for MYH6-related condition. Last evaluated: 2026-08-05. Review status: criteria provided, single submitter. Criteria: ACMG Guidelines, 2015. Collection method: clinical testing. Allele origin: germline.
Comment: This variant is classified as likely benign based on ACMG/AMP sequence variant interpretation guidelines (Richards et al. 2015 PMID: 25741868, with internal and published modifications).

Labcorp Genetics (formerly Invitae), Labcorp
Classification: Uncertain significance for Hypertrophic cardiomyopathy 14. Last evaluated: 2025-03-15. Review status: criteria provided, single submitter. Criteria: Invitae Variant Classification Sherloc (09022015). Collection method: clinical testing. Allele origin: germline.
Comment: This sequence change falls in intron 10 of the MYH6 gene. It does not directly change the encoded amino acid sequence of the MYH6 protein. It affects a nucleotide within the consensus splice site. This variant is present in population databases (rs370158816, gnomAD 0.01%). This variant has not been reported in the literature in individuals affected with MYH6-related conditions. ClinVar contains an entry for this variant (Variation ID: 507614). Variants that disrupt the consensus splice site are a relatively common cause of aberrant splicing (PMID: 17576681, 9536098). Algorithms developed to predict the effect of sequence changes on RNA splicing suggest that this variant is not likely to affect RNA splicing. In summary, the available evidence is currently insufficient to determine the role of this variant in disease. Therefore, it has been classified as a Variant of Uncertain Significance.

GeneDx
Classification: Likely benign. Last evaluated: 2017-12-21. Review status: criteria provided, single submitter. Criteria: GeneDx Variant Classification (06012015). Collection method: clinical testing. Allele origin: germline. Affected: yes.
Comment: This variant is considered likely benign or benign based on one or more of the following criteria: it is a conservative change, it occurs at a poorly conserved position in the protein, it is predicted to be benign by multiple in silico algorithms, and/or has population frequency not consistent with disease.

Literature cited by the submitters: PubMed 17576681 (cited by Labcorp Genetics (formerly Invitae), Labcorp); PubMed 9536098 (cited by Labcorp Genetics (formerly Invitae), Labcorp).